The following is an entry in ClinVar:

ClinVar aggregate classification (germline): Uncertain significance. Review status: criteria provided, multiple submitters, no conflicts (2 of 4 stars). 2 submissions from 2 submitters: Uncertain significance (2). Last evaluated 2025-08-27.

Conditions:
Propionic acidemia (PROP). Also called: GLYCINEMIA, KETOTIC; HYPERGLYCINEMIA WITH KETOACIDOSIS AND LEUKOPENIA; KETOTIC HYPERGLYCINEMIA. Identifiers: Orphanet 35, MedGen C0268579, MONDO:0011628, OMIM 606054, HP:0003571.
Inborn genetic diseases. Identifiers: MedGen C0950123, MeSH D030342.

Allele frequency attached by ClinVar (database versions not stated): gnomAD exomes below 0.00001; ExAC 0.00001; TOPMed 0.00002; gnomAD 0.00003; ESP Exome Variant Server 0.00008.
gnomAD v4.1: 5 of 1,613,858 alleles (0.00031%); highest among the groups gnomAD compares: African/African-American, 0.0067%; no homozygotes.

Submissions (2):

Ambry Genetics
Classification: Uncertain significance for Inborn genetic diseases. Last evaluated: 2025-08-27. Review status: criteria provided, single submitter. Criteria: Ambry Variant Classification Scheme 2023. Collection method: clinical testing. Allele origin: germline.

Labcorp Genetics (formerly Invitae), Labcorp
Classification: Uncertain significance for Propionic acidemia. Last evaluated: 2022-03-25. Review status: criteria provided, single submitter. Criteria: Invitae Variant Classification Sherloc (09022015). Collection method: clinical testing. Allele origin: germline.
Comment: This sequence change replaces threonine, which is neutral and polar, with isoleucine, which is neutral and non-polar, at codon 401 of the PCCB protein (p.Thr401Ile). This variant is present in population databases (rs371610471, gnomAD 0.01%). This variant has not been reported in the literature in individuals affected with PCCB-related conditions. Algorithms developed to predict the effect of missense changes on protein structure and function are either unavailable or do not agree on the potential impact of this missense change (SIFT: "Deleterious"; PolyPhen-2: "Benign"; Align-GVGD: "Class C65"). In summary, the available evidence is currently insufficient to determine the role of this variant in disease. Therefore, it has been classified as a Variant of Uncertain Significance.

NM_000532.5(PCCB):c.1202C>T (p.Thr401Ile)

Gene: PCCB (propionyl-CoA carboxylase subunit beta; plus strand). Cytogenetic location: 3q22.3.
Variant type: single nucleotide variant.
Coding change: c.1202C>T on transcript NM_000532.5 (MANE Select); coding-DNA position 1202, C replaced by T.
Protein change: p.Thr401Ile; replaces threonine 401 with isoleucine.
Molecular consequence: missense variant.
Genome position (GRCh38, 1-based): chr3:136,327,158, C>T. VCF-style: chr3-136327158-C-T. GRCh37 (hg19) VCF-style: chr3-136046000-C-T.
Other names: c.1262C>T, p.Thr421Ile (NM_001178014.2); c.1202C>T (NM_000532.4); short protein forms T421I, T401I.
Identifiers: ClinVar variation 2170720 (VCV002170720.3), dbSNP rs371610471, ClinGen allele CA2632091.